The following is an entry in ClinVar:

ClinVar aggregate classification (germline): Uncertain significance. Review status: criteria provided, multiple submitters, no conflicts (2 of 4 stars). 2 submissions from 2 submitters: Uncertain significance (2). Last evaluated 2026-07-27.

Conditions:
Hereditary cancer-predisposing syndrome. Also called: Hereditary neoplastic syndrome; Neoplastic Syndromes, Hereditary; Tumor predisposition; Hereditary Cancer Syndrome. Identifiers: Orphanet 140162, MedGen C0027672, MeSH D009386, MONDO:0015356.
Oligodontia-cancer predisposition syndrome. Also called: TOOTH AGENESIS-COLORECTAL CANCER SYNDROME. Identifiers: Orphanet 300576, MedGen C1837750, MONDO:0012075, OMIM 608615. Disease mechanism: loss of function.

Submissions (2):

Ambry Genetics
Classification: Uncertain significance for Hereditary cancer-predisposing syndrome. Last evaluated: 2026-07-27. Review status: criteria provided, single submitter. Criteria: Ambry Variant Classification Scheme 2023. Collection method: clinical testing. Allele origin: germline.
Comment: The p.E184G variant (also known as c.551A>G), located in coding exon 1 of the AXIN2 gene, results from an A to G substitution at nucleotide position 551. The glutamic acid at codon 184 is replaced by glycine, an amino acid with similar properties. This amino acid position is conserved. In addition, this alteration is predicted to be tolerated by in silico analysis. Based on the available evidence, the clinical significance of this variant remains unclear.

Labcorp Genetics (formerly Invitae), Labcorp
Classification: Uncertain significance for Oligodontia-cancer predisposition syndrome. Last evaluated: 2025-10-18. Review status: criteria provided, single submitter. Criteria: Invitae Variant Classification Sherloc (09022015). Collection method: clinical testing. Allele origin: germline.
Comment: This sequence change replaces glutamic acid, which is acidic and polar, with glycine, which is neutral and non-polar, at codon 184 of the AXIN2 protein (p.Glu184Gly). This variant is not present in population databases (gnomAD no frequency). This variant has not been reported in the literature in individuals affected with AXIN2-related conditions. ClinVar contains an entry for this variant (Variation ID: 1925265). Invitae Evidence Modeling of protein sequence and biophysical properties (such as structural, functional, and spatial information, amino acid conservation, physicochemical variation, residue mobility, and thermodynamic stability) indicates that this missense variant is not expected to disrupt AXIN2 protein function with a negative predictive value of 80%. In summary, the available evidence is currently insufficient to determine the role of this variant in disease. Therefore, it has been classified as a Variant of Uncertain Significance.

NM_004655.4(AXIN2):c.551A>G (p.Glu184Gly)

Gene: AXIN2 (axin 2; minus strand). Cytogenetic location: 17q24.1.
Variant type: single nucleotide variant.
Coding change: c.551A>G on transcript NM_004655.4 (MANE Select); coding-DNA position 551, A replaced by G.
Protein change: p.Glu184Gly; replaces glutamic acid 184 with glycine.
Molecular consequence: missense variant.
Genome position (GRCh38, 1-based): chr17:65,558,070, T>C on the plus strand (A>G on the coding strand, the complement: AXIN2 is on the minus strand). VCF-style: chr17-65558070-T-C. GRCh37 (hg19) VCF-style: chr17-63554188-T-C.
Other names: c.551A>G, p.Glu184Gly (NM_001363813.1); short protein forms E184G.
Identifiers: ClinVar variation 1925265 (VCV001925265.6), dbSNP rs2544249645, ClinGen allele CA400680920.
Genomic context (GRCh38, chr17:65,558,070, plus strand): 5'-CCCCCACTCCTCACATATTCGAGGTATATATCAGAAGTCAAAAACATCTGGTAGGCATTT[T>C]CCTCCATCACCGACTGGATCTCGGTCTGCGCCTGGTCAAACATGATGGAATCAATCTGCT-3'
Protein context (NP_004646.3, residues 174-194): AQTEIQSVME[Glu184Gly]NAYQMFLTSD